The following is an entry in ClinVar:

NM_000548.5(TSC2):c.3594G>C (p.Leu1198=)

Gene: TSC2 (TSC complex subunit 2; plus strand). Cytogenetic location: 16p13.3.
Variant type: single nucleotide variant.
Coding change: c.3594G>C on transcript NM_000548.5 (MANE Select); coding-DNA position 3594, G replaced by C.
Protein change: p.Leu1198=; no amino-acid change (leucine 1198 retained).
Molecular consequence: synonymous variant. On other transcripts: non-coding transcript variant (5).
Genome position (GRCh38, 1-based): chr16:2,080,361, G>C. VCF-style: chr16-2080361-G-C. GRCh37 (hg19) VCF-style: chr16-2130362-G-C.
Other names: c.3462G>C, p.Leu1154= (NM_001077183.3, NM_001370404.1, NM_001406665.1); c.3594G>C, p.Leu1198= (NM_001114382.3); c.3354G>C, p.Leu1118= (NM_001318827.2); c.3318G>C, p.Leu1106= (NM_001318829.2); c.2862G>C, p.Leu954= (NM_001318831.2, NM_001406687.1, NM_001406688.1); c.3495G>C, p.Leu1165= (NM_001318832.2); c.3465G>C, p.Leu1155= (NM_001363528.2, NM_001370405.1, NM_021055.3); c.3591G>C, p.Leu1197= (NM_001406663.1, NM_001406664.1); and 18 more.
Identifiers: ClinVar variation 2793083 (VCV002793083.4), dbSNP rs202114637, ClinGen allele CA493043178.

ClinVar aggregate classification (germline): Benign/Likely benign. Review status: criteria provided, multiple submitters, no conflicts (2 of 4 stars). 2 submissions from 2 submitters: Benign (1); Likely benign (1). Last evaluated 2025-05-29.

Conditions:
Tuberous sclerosis 2 (TSC2). Identifiers: Orphanet 805, MedGen C1860707, MONDO:0013199, OMIM 613254.

gnomAD v4.1: 1 of 1,611,902 alleles (0.000062%); highest among the groups gnomAD compares: Non-Finnish European, 0.000085%; no homozygotes.

Submissions (2):

Myriad Genetics, Inc.
Classification: Benign for Tuberous sclerosis 2. Last evaluated: 2025-05-29. Review status: criteria provided, single submitter. Criteria: Myriad Autosomal Dominant, Autosomal Recessive and X-Linked Classification Criteria (2023). Collection method: clinical testing. Allele origin: unknown.
Comment: This variant is considered benign. This variant is a silent/synonymous amino acid change and it is not expected to impact splicing.

Labcorp Genetics (formerly Invitae), Labcorp
Classification: Likely benign for Tuberous sclerosis 2. Last evaluated: 2023-02-20. Review status: criteria provided, single submitter. Criteria: Invitae Variant Classification Sherloc (09022015). Collection method: clinical testing. Allele origin: germline.